The following is an entry in ClinVar:

ClinVar aggregate classification (germline): Benign (0 of 4 stars; one submission).

Conditions:
MEPE-related disorder. Also called: MEPE-related condition.

Allele frequency attached by ClinVar (database versions not stated): 1000 Genomes Project 30x 0.00141; ExAC 0.00090; gnomAD exomes 0.00036; 1000 Genomes Project 0.00140.
gnomAD v4.1: 601 of 1,611,974 alleles (0.037%); highest among the groups gnomAD compares: East Asian, 1.2%; 2 homozygotes.

Submission:

PreventionGenetics, part of Exact Sciences
Classification: Benign for MEPE-related condition. Last evaluated: 2019-08-20. Review status: no assertion criteria provided. Collection method: clinical testing. Allele origin: germline.
Comment: This variant is classified as benign based on ACMG/AMP sequence variant interpretation guidelines (Richards et al. 2015 PMID: 25741868, with internal and published modifications).

NM_020203.6(MEPE):c.681A>C (p.Ser227=)

Genes: MEPE (matrix extracellular phosphoglycoprotein; plus strand), MEPE-AS1 (MEPE and IBSP antisense RNA 1; minus strand). Cytogenetic location: 4q22.1.
Variant type: single nucleotide variant.
Coding change: c.681A>C on transcript NM_020203.6 (MANE Select); coding-DNA position 681, A replaced by C.
Protein change: p.Ser227=; no amino-acid change (serine 227 retained).
Molecular consequence: synonymous variant.
Genome position (GRCh38, 1-based): chr4:87,845,549, A>C. VCF-style: chr4-87845549-A-C. GRCh37 (hg19) VCF-style: chr4-88766701-A-C.
Other names: c.681A>C, p.Ser227= (NM_001184694.3); c.342A>C, p.Ser114= (NM_001184695.4, NM_001184696.2, NM_001184697.2); c.774A>C, p.Ser258= (NM_001291183.2).
Identifiers: ClinVar variation 3052922 (VCV003052922.2), dbSNP rs200287337, ClinGen allele CA3002705.